The following is an entry in ClinVar:

NM_018122.5(DARS2):c.566dup (p.Arg190fs)

Gene: DARS2 (aspartyl-tRNA synthetase 2, mitochondrial; plus strand). Cytogenetic location: 1q25.1.
Variant type: Duplication.
Coding change: c.566dup on transcript NM_018122.5 (MANE Select); coding-DNA position 566, one base duplicated (T; older notation c.566dupT).
Protein change: p.Arg190fs; shifts the reading frame from arginine 190.
Molecular consequence: frameshift variant.
Genome position (GRCh38, 1-based): chr1:173,833,449, T duplicated. VCF-style (leftmost placement, unchanged base first): chr1-173833448-C-CT. GRCh37 (hg19) VCF-style: chr1-173802586-C-CT.
Other names: c.566dup, p.Arg190fs (NM_001365212.1, NM_001365213.2); short protein forms R190fs.
Identifiers: ClinVar variation 4847009 (VCV004847009.1).

ClinVar aggregate classification (germline): Pathogenic (1 of 4 stars; one submission).

Conditions:
Leukoencephalopathy with brain stem and spinal cord involvement-high lactate syndrome (LBSL). Also called: LEUKOENCEPHALOPATHY WITH BRAINSTEM AND SPINAL CORD INVOLVEMENT AND LACTATE ELEVATION, MILD; MITOCHONDRIAL ASPARTYL-tRNA SYNTHETASE DEFICIENCY; Leukoencephalopathy with Brainstem and Spinal Cord Involvement and Lactate Elevation. Identifiers: Orphanet 137898, MedGen C1970180, MONDO:0012622, OMIM 611105.

Submission:

Laboratorio de Genetica e Diagnostico Molecular, Hospital Israelita Albert Einstein
Classification: Pathogenic for Leukoencephalopathy with brain stem and spinal cord involvement-high lactate syndrome. Last evaluated: 2026-02-27. Review status: criteria provided, single submitter. Criteria: ACMG Guidelines, 2015. Collection method: clinical testing. Allele origin: germline. Affected: yes.
Comment: ACMG classification criteria: PVS1 very strong, PM2 supporting, PM3 supporting